The following is an entry in ClinVar:

ClinVar aggregate classification (germline): Uncertain significance. Review status: criteria provided, multiple submitters, no conflicts (2 of 4 stars). 2 submissions from 2 submitters: Uncertain significance (2). Last evaluated 2024-04-25.

Allele frequency attached by ClinVar (database versions not stated): gnomAD 0.00001; gnomAD exomes 0.00001 and 0.00002; ExAC 0.00002.
gnomAD v4.1: 10 of 1,614,068 alleles (0.00062%); highest among the groups gnomAD compares: Non-Finnish European, 0.00085%; no homozygotes.

Submissions (2):

Blueprint Genetics
Classification: Uncertain significance. Last evaluated: 2024-04-25. Review status: criteria provided, single submitter. Criteria: ACMG Guidelines, 2015. Collection method: clinical testing. Allele origin: germline.

Labcorp Genetics (formerly Invitae), Labcorp
Classification: Uncertain significance. Last evaluated: 2022-09-07. Review status: criteria provided, single submitter. Criteria: Invitae Variant Classification Sherloc (09022015). Collection method: clinical testing. Allele origin: germline.
Comment: In summary, the available evidence is currently insufficient to determine the role of this variant in disease. Therefore, it has been classified as a Variant of Uncertain Significance. Advanced modeling of protein sequence and biophysical properties (such as structural, functional, and spatial information, amino acid conservation, physicochemical variation, residue mobility, and thermodynamic stability) performed at Invitae indicates that this missense variant is expected to disrupt ABCA4 protein function. ClinVar contains an entry for this variant (Variation ID: 954081). This variant has not been reported in the literature in individuals affected with ABCA4-related conditions. This variant is present in population databases (rs749008843, gnomAD 0.003%). This sequence change replaces proline, which is neutral and non-polar, with arginine, which is basic and polar, at codon 405 of the ABCA4 protein (p.Pro405Arg).

NM_000350.3(ABCA4):c.1214C>G (p.Pro405Arg)

Gene: ABCA4 (ATP binding cassette subfamily A member 4; minus strand). Cytogenetic location: 1p22.1.
Variant type: single nucleotide variant.
Coding change: c.1214C>G on transcript NM_000350.3 (MANE Select); coding-DNA position 1214, C replaced by G.
Protein change: p.Pro405Arg; replaces proline 405 with arginine.
Molecular consequence: missense variant.
Genome position (GRCh38, 1-based): chr1:94,079,347, G>C on the plus strand (C>G on the coding strand, the complement: ABCA4 is on the minus strand). VCF-style: chr1-94079347-G-C. GRCh37 (hg19) VCF-style: chr1-94544903-G-C.
Other names: c.1214C>G, p.Pro405Arg (NM_001425324.1); short protein forms P405R.
Identifiers: ClinVar variation 954081 (VCV000954081.10), dbSNP rs749008843, ClinGen allele CA958607.